The following is an entry in ClinVar:

NM_003998.4(NFKB1):c.1606C>G (p.Leu536Val)

Gene: NFKB1 (nuclear factor kappa B subunit 1; plus strand). Cytogenetic location: 4q24.
Variant type: single nucleotide variant.
Coding change: c.1606C>G on transcript NM_003998.4 (MANE Select); coding-DNA position 1606, C replaced by G.
Protein change: p.Leu536Val; replaces leucine 536 with valine.
Molecular consequence: missense variant.
Genome position (GRCh38, 1-based): chr4:102,597,630, C>G. VCF-style: chr4-102597630-C-G. GRCh37 (hg19) VCF-style: chr4-103518787-C-G.
Other names: c.1603C>G, p.Leu535Val (NM_001165412.2, NM_001319226.2, NM_001382627.1); c.1606C>G, p.Leu536Val (NM_001382625.1, NM_001382626.1); c.1564C>G, p.Leu522Val (NM_001382628.1); c.1606C>G (NM_003998.3); short protein forms L522V, L535V, L536V.
Identifiers: ClinVar variation 4056654 (VCV004056654.2).
Genomic context (GRCh38, chr4:102,597,630, plus strand): 5'-GCCCTTTTCGACTACGCGGTGACAGGAGACGTGAAGATGCTGCTGGCCGTCCAGCGCCAT[C>G]TCACTGCTGTGCAGGATGAGAATGGGGACAGGTAAGTCAGAACTTTTGCATGATAGGTTG-3'
Protein context (NP_003989.2, residues 526-546): VKMLLAVQRH[Leu536Val]TAVQDENGDS

ClinVar aggregate classification (germline): Uncertain significance. Review status: criteria provided, multiple submitters, no conflicts (2 of 4 stars). 2 submissions from 2 submitters: Uncertain significance (2). Last evaluated 2026-03-19.

Conditions:
Immunodeficiency, common variable, 12 (CVID12). Also called: IMMUNODEFICIENCY, COMMON VARIABLE, 12, WITH AUTOIMMUNITY; NFKB1 DEFICIENCY. Identifiers: Orphanet 1572, Orphanet 696874, MedGen C4225277, MONDO:0014697, OMIM 616576.

Submissions (2):

GeneDx
Classification: Uncertain significance. Last evaluated: 2026-03-19. Review status: criteria provided, single submitter. Criteria: GeneDx Variant Classification Process June 2021. Collection method: clinical testing. Allele origin: germline.
Comment: Not observed at significant frequency in large population cohorts (gnomAD); In silico analysis suggests that this missense variant does not alter protein structure/function; Has not been previously published as pathogenic or benign to our knowledge

Laboratorio de Genetica e Diagnostico Molecular, Hospital Israelita Albert Einstein
Classification: Uncertain significance for Immunodeficiency, common variable, 12. Last evaluated: 2025-02-03. Review status: criteria provided, single submitter. Criteria: ACMG Guidelines, 2015. Collection method: clinical testing. Allele origin: germline. Affected: yes.
Comment: ACMG classification criteria: PM2 supporting, PP2 supporting, BP4 supporting